The following is an entry in ClinVar:

ClinVar aggregate classification (germline): Benign. Review status: criteria provided, multiple submitters, no conflicts (2 of 4 stars). 3 submissions from 3 submitters: Benign (2). 1 of the submissions does not count toward it. Last evaluated 2026-02-01.

Conditions:
DNAH9-related disorder. Also called: DNAH9-related condition.

Allele frequency attached by ClinVar (database versions not stated): gnomAD 0.01289; 1000 Genomes Project 0.01577; 1000 Genomes Project 30x 0.01765; gnomAD exomes 0.00080; ExAC 0.02000.
gnomAD v4.1: 3,102 of 1,365,964 alleles (0.23%); highest among the groups gnomAD compares: African/African-American, 4.3%; 87 homozygotes.

Submissions (3):

Labcorp Genetics (formerly Invitae), Labcorp
Classification: Benign. Last evaluated: 2026-02-01. Review status: criteria provided, single submitter. Criteria: Invitae Variant Classification Sherloc (09022015). Collection method: clinical testing. Allele origin: germline.

Breakthrough Genomics
Classification: Benign. Review status: criteria provided, single submitter. Criteria: ACMG Guidelines, 2015. Collection method: not provided. Allele origin: germline. Inheritance: Autosomal recessive inheritance. Affected: yes.

PreventionGenetics, part of Exact Sciences
Classification: Benign for DNAH9-related condition. Last evaluated: 2019-10-28. Review status: no assertion criteria provided. Collection method: clinical testing. Allele origin: germline. Not counted in ClinVar's aggregate classification.
Comment: This variant is classified as benign based on ACMG/AMP sequence variant interpretation guidelines (Richards et al. 2015 PMID: 25741868, with internal and published modifications).

NM_001372.4(DNAH9):c.180G>A (p.Leu60=)

Gene: DNAH9 (dynein axonemal heavy chain 9; plus strand). Cytogenetic location: 17p12.
Variant type: single nucleotide variant.
Coding change: c.180G>A on transcript NM_001372.4 (MANE Select); coding-DNA position 180, G replaced by A.
Protein change: p.Leu60=; no amino-acid change (leucine 60 retained).
Molecular consequence: synonymous variant.
Genome position (GRCh38, 1-based): chr17:11,598,678, G>A. VCF-style: chr17-11598678-G-A. GRCh37 (hg19) VCF-style: chr17-11501995-G-A.
Other names: c.180G>A (NM_001372.3).
Identifiers: ClinVar variation 1654990 (VCV001654990.10), dbSNP rs76135167, ClinGen allele CA8394462.
Genomic context (GRCh38, chr17:11,598,678, plus strand): 5'-GGGCGCCTGGGAGCGTTGCGCGGGGAGTGCTGAGGCGGAGCAGCTGCTCCAGGCCTTCCT[G>A]GGCCGCGATGCTGCCGAGGGGCCGCGGCCGCTGCTGGTGGTGCGGCCCGGGCCCAGGGGC-3'
Protein context (NP_001363.2, residues 50-70): AEAEQLLQAF[Leu60=]GRDAAEGPRP